The following is an entry in ClinVar:

ClinVar aggregate classification (germline): Uncertain significance. Review status: criteria provided, multiple submitters, no conflicts (2 of 4 stars). 2 submissions from 2 submitters: Uncertain significance (2). Last evaluated 2023-04-19.

Conditions:
Inborn genetic diseases. Identifiers: MedGen C0950123, MeSH D030342.

Allele frequency attached by ClinVar (database versions not stated): gnomAD exomes below 0.00001; TOPMed below 0.00001.
gnomAD v4.1: 1 of 1,614,202 alleles (0.000062%); highest among the groups gnomAD compares: Non-Finnish European, 0.000085%; no homozygotes.

Submissions (2):

Ambry Genetics
Classification: Uncertain significance for Inborn genetic diseases. Last evaluated: 2023-04-19. Review status: criteria provided, single submitter. Criteria: Ambry Variant Classification Scheme 2023. Collection method: clinical testing. Allele origin: germline.

Labcorp Genetics (formerly Invitae), Labcorp
Classification: Uncertain significance. Last evaluated: 2022-10-05. Review status: criteria provided, single submitter. Criteria: Invitae Variant Classification Sherloc (09022015). Collection method: clinical testing. Allele origin: germline.
Comment: This sequence change replaces leucine, which is neutral and non-polar, with phenylalanine, which is neutral and non-polar, at codon 1625 of the NBAS protein (p.Leu1625Phe). This variant is not present in population databases (gnomAD no frequency). This variant has not been reported in the literature in individuals affected with NBAS-related conditions. Advanced modeling of protein sequence and biophysical properties (such as structural, functional, and spatial information, amino acid conservation, physicochemical variation, residue mobility, and thermodynamic stability) has been performed at Invitae for this missense variant, however the output from this modeling did not meet the statistical confidence thresholds required to predict the impact of this variant on NBAS protein function. In summary, the available evidence is currently insufficient to determine the role of this variant in disease. Therefore, it has been classified as a Variant of Uncertain Significance.

NM_015909.4(NBAS):c.4873C>T (p.Leu1625Phe)

Gene: NBAS (NBAS subunit of NRZ tethering complex; minus strand). Cytogenetic location: 2p24.3.
Variant type: single nucleotide variant.
Coding change: c.4873C>T on transcript NM_015909.4 (MANE Select); coding-DNA position 4873, C replaced by T.
Protein change: p.Leu1625Phe; replaces leucine 1625 with phenylalanine.
Molecular consequence: missense variant. On other transcripts: non-coding transcript variant (1).
Genome position (GRCh38, 1-based): chr2:15,292,691, G>A on the plus strand (C>T on the coding strand, the complement: NBAS is on the minus strand). VCF-style: chr2-15292691-G-A. GRCh37 (hg19) VCF-style: chr2-15432815-G-A.
Other names: c.4873C>T (NM_015909.2); short protein forms L1625F.
Identifiers: ClinVar variation 1920020 (VCV001920020.4), dbSNP rs199954479, ClinGen allele CA42613045.